The following is an entry in ClinVar:

NM_018706.7(DHTKD1):c.1315G>C (p.Asp439His)

Gene: DHTKD1 (dehydrogenase E1 and transketolase domain containing 1; plus strand). Cytogenetic location: 10p14.
Variant type: single nucleotide variant.
Coding change: c.1315G>C on transcript NM_018706.7 (MANE Select); coding-DNA position 1315, G replaced by C.
Protein change: p.Asp439His; replaces aspartic acid 439 with histidine.
Molecular consequence: missense variant.
Genome position (GRCh38, 1-based): chr10:12,094,228, G>C. VCF-style: chr10-12094228-G-C. GRCh37 (hg19) VCF-style: chr10-12136227-G-C.
Other names: short protein forms D439H.
Identifiers: ClinVar variation 1524791 (VCV001524791.9), dbSNP rs995123652, ClinGen allele CA202584425.
Genomic context (GRCh38, chr10:12,094,228, plus strand): 5'-TTCCGCAAGGATGTGATTATTGATCTGTTGTGCTACAGGCAGTGGGGCCACAATGAGCTG[G>C]ATGAGCCATTCTACACCAACCCCATCATGTACAAAATCATCAGGTACAATTATAAACCCT-3'
Protein context (NP_061176.4, residues 429-449): CYRQWGHNEL[Asp439His]EPFYTNPIMY

ClinVar aggregate classification (germline): Uncertain significance. Review status: criteria provided, multiple submitters, no conflicts (2 of 4 stars). 2 submissions from 2 submitters: Uncertain significance (2). Last evaluated 2025-03-07.

Conditions:
2-aminoadipic 2-oxoadipic aciduria (AAKAD). Also called: ALPHA-AMINOADIPIC AND ALPHA-KETOADIPIC ACIDURIA; Aminoadipic aciduria. Identifiers: Orphanet 79154, MedGen C1859817, MONDO:0008774, OMIM 204750.

Allele frequency attached by ClinVar (database versions not stated): gnomAD 0.00001; gnomAD exomes 0.00002; TOPMed 0.00003.
gnomAD v4.1: 25 of 1,614,030 alleles (0.0015%); highest among the groups gnomAD compares: Non-Finnish European, 0.002%; no homozygotes.

Submissions (2):

Labcorp Genetics (formerly Invitae), Labcorp
Classification: Uncertain significance for 2-aminoadipic 2-oxoadipic aciduria. Last evaluated: 2025-03-07. Review status: criteria provided, single submitter. Criteria: Invitae Variant Classification Sherloc (09022015). Collection method: clinical testing. Allele origin: germline.
Comment: This sequence change replaces aspartic acid, which is acidic and polar, with histidine, which is basic and polar, at codon 439 of the DHTKD1 protein (p.Asp439His). This variant is not present in population databases (gnomAD no frequency). This variant has not been reported in the literature in individuals affected with DHTKD1-related conditions. ClinVar contains an entry for this variant (Variation ID: 1524791). Invitae Evidence Modeling of protein sequence and biophysical properties (such as structural, functional, and spatial information, amino acid conservation, physicochemical variation, residue mobility, and thermodynamic stability) indicates that this missense variant is expected to disrupt DHTKD1 protein function with a positive predictive value of 80%. In summary, the available evidence is currently insufficient to determine the role of this variant in disease. Therefore, it has been classified as a Variant of Uncertain Significance.

Breakthrough Genomics
Classification: Uncertain significance. Review status: criteria provided, single submitter. Criteria: ACMG Guidelines, 2015. Collection method: not provided. Allele origin: germline. Inheritance: Autosomal recessive inheritance. Affected: yes.